The following is an entry in ClinVar:

NM_001378964.1(CDON):c.3335G>A (p.Arg1112Gln)

Gene: CDON (cell adhesion associated, oncogene regulated; minus strand). Cytogenetic location: 11q24.2.
Variant type: single nucleotide variant.
Coding change: c.3335G>A on transcript NM_001378964.1 (MANE Select); coding-DNA position 3335, G replaced by A.
Protein change: p.Arg1112Gln; replaces arginine 1112 with glutamine.
Molecular consequence: missense variant.
Genome position (GRCh38, 1-based): chr11:125,978,325, C>T on the plus strand (G>A on the coding strand, the complement: CDON is on the minus strand). VCF-style: chr11-125978325-C-T. GRCh37 (hg19) VCF-style: chr11-125848220-C-T.
Other names: c.3335G>A, p.Arg1112Gln (NM_001243597.3, NM_016952.6); short protein forms R1112Q.
Identifiers: ClinVar variation 2183038 (VCV002183038.4), dbSNP rs1177628525, ClinGen allele CA383198081.

ClinVar aggregate classification (germline): Uncertain significance (1 of 4 stars; one submission).

Conditions:
Holoprosencephaly 11 (HPE11). Identifiers: Orphanet 2162, MedGen C3280215, MONDO:0013642, OMIM 614226.

Allele frequency attached by ClinVar (database versions not stated): TOPMed below 0.00001; gnomAD 0.00001; gnomAD exomes 0.00001.
gnomAD v4.1: 12 of 1,605,878 alleles (0.00075%); highest among the groups gnomAD compares: East Asian, 0.0022%; no homozygotes.

Submission:

Labcorp Genetics (formerly Invitae), Labcorp
Classification: Uncertain significance for Holoprosencephaly 11. Last evaluated: 2024-11-04. Review status: criteria provided, single submitter. Criteria: Invitae Variant Classification Sherloc (09022015). Collection method: clinical testing. Allele origin: germline.
Comment: This sequence change replaces arginine, which is basic and polar, with glutamine, which is neutral and polar, at codon 1112 of the CDON protein (p.Arg1112Gln). This variant is present in population databases (no rsID available, gnomAD 0.01%). This variant has not been reported in the literature in individuals affected with CDON-related conditions. ClinVar contains an entry for this variant (Variation ID: 2183038). Invitae Evidence Modeling of protein sequence and biophysical properties (such as structural, functional, and spatial information, amino acid conservation, physicochemical variation, residue mobility, and thermodynamic stability) indicates that this missense variant is not expected to disrupt CDON protein function with a negative predictive value of 80%. In summary, the available evidence is currently insufficient to determine the role of this variant in disease. Therefore, it has been classified as a Variant of Uncertain Significance.